The following is an entry in ClinVar:

ClinVar aggregate classification (germline): Likely pathogenic (1 of 4 stars; one submission).

Conditions:
Fabry disease. Also called: ALPHA-GALACTOSIDASE A DEFICIENCY; ANDERSON-FABRY DISEASE; CERAMIDE TRIHEXOSIDASE DEFICIENCY; GLA DEFICIENCY; HEREDITARY DYSTOPIC LIPIDOSIS; Angiokeratoma corporis diffusum. Identifiers: Orphanet 324, MedGen C0002986, MONDO:0010526, OMIM 301500, HP:0001071. Disease mechanism: Fabry disease is due to inactivating mutations in the X-linked GLA gene resulting in deficiency of the enzyme Alpha Galactosidase-A., loss of function.

Submission:

Genomenon, Inc
Classification: Likely pathogenic for Fabry disease. Last evaluated: 2026-09-08. Review status: criteria provided, single submitter. Criteria: Genomenon Sequence Variant Interpretation Standards - Updated. Collection method: curation. Allele origin: germline. Affected: yes.
Comment: GLA p.Trp44Gly (c.130T>G) is a missense variant that changes the amino acid at codon 44 from Tryptophan to Glycine. This variant has been observed in at least one proband with clinical features consistent with Fabry disease (PMID:39609713). Functional or patient cell studies have been reported (PMID:39609713). This variant is located in a mutational hotspot and/or important functional domain. It is absent or not present at a significant frequency in gnomAD. In silico models predict that this variant is possibly or probably damaging. In conclusion, we classify GLA p.Trp44Gly (c.130T>G) as a likely pathogenic variant.

Literature cited by the submitters: PubMed 39609713.

NM_000169.3(GLA):c.130T>G (p.Trp44Gly)

Genes: GLA (galactosidase alpha; minus strand), RPL36A-HNRNPH2 (RPL36A-HNRNPH2 readthrough; plus strand). Cytogenetic location: Xq22.1.
Variant type: single nucleotide variant.
Coding change: c.130T>G on transcript NM_000169.3 (MANE Select); coding-DNA position 130, T replaced by G.
Protein change: p.Trp44Gly; replaces tryptophan 44 with glycine.
Molecular consequence: missense variant. On other transcripts: non-coding transcript variant (3), intron variant (2).
Genome position (GRCh38, 1-based): chrX:101,407,774, A>C on the plus strand (T>G on the coding strand, the complement: GLA is on the minus strand). VCF-style: chrX-101407774-A-C. GRCh37 (hg19) VCF-style: chrX-100662762-A-C.
Other names: c.130T>G, p.Trp44Gly (NM_001406747.1, NM_001406748.1, NM_001406749.1); c.301-4162A>C (NM_001199973.2); c.178-4162A>C (NM_001199974.2); short protein forms W44G.
Identifiers: ClinVar variation 4087662 (VCV004087662.2).